The following is an entry in ClinVar:

NM_001270.4(CHD1):c.1807C>G (p.Leu603Val)

Gene: CHD1 (chromodomain helicase DNA binding protein 1; minus strand). Cytogenetic location: 5q15.
Variant type: single nucleotide variant.
Coding change: c.1807C>G on transcript NM_001270.4 (MANE Select); coding-DNA position 1807, C replaced by G.
Protein change: p.Leu603Val; replaces leucine 603 with valine.
Molecular consequence: missense variant. On other transcripts: non-coding transcript variant (2).
Genome position (GRCh38, 1-based): chr5:98,893,600, G>C on the plus strand (C>G on the coding strand, the complement: CHD1 is on the minus strand). VCF-style: chr5-98893600-G-C. GRCh37 (hg19) VCF-style: chr5-98229304-G-C.
Other names: c.1807C>G, p.Leu603Val (NM_001364113.3, NM_001376194.2); short protein forms L603V.
Identifiers: ClinVar variation 2431730 (VCV002431730.1), dbSNP rs2479648187, ClinGen allele CA360517382.

ClinVar aggregate classification (germline): Uncertain significance (1 of 4 stars; one submission).

Conditions:
Pilarowski-Bjornsson syndrome. Also called: DEVELOPMENTAL DELAY AND SPEECH APRAXIA WITH OR WITHOUT SEIZURES. Identifiers: Orphanet 529965, MedGen C4540131, MONDO:0060568, OMIM 617682.

Submission:

Laboratorio de Genetica e Diagnostico Molecular, Hospital Israelita Albert Einstein
Classification: Uncertain significance for Pilarowski-Bjornsson syndrome. Last evaluated: 2022-12-07. Review status: criteria provided, single submitter. Criteria: ACMG Guidelines, 2015. Collection method: clinical testing. Allele origin: germline. Affected: yes. Observed: 1 variant allele.
Comment: ACMG classification criteria: PM2 moderated, PP2 supporting, PP3 supporting